The following is an entry in ClinVar:

ClinVar aggregate classification (germline): Uncertain significance (1 of 4 stars; one submission).

Conditions:
Emery-Dreifuss muscular dystrophy 5, autosomal dominant (EDMD5). Also called: EMERY-DREIFUSS MUSCULAR DYSTROPHY 5. Identifiers: Orphanet 261, MedGen C2751805, MONDO:0013072, OMIM 612999.

gnomAD v4.1: 1 of 1,612,342 alleles (0.000062%); no homozygotes.

Submission:

Labcorp Genetics (formerly Invitae), Labcorp
Classification: Uncertain significance for Emery-Dreifuss muscular dystrophy 5, autosomal dominant. Last evaluated: 2025-05-17. Review status: criteria provided, single submitter. Criteria: Invitae Variant Classification Sherloc (09022015). Collection method: clinical testing. Allele origin: germline.
Comment: This sequence change replaces leucine, which is neutral and non-polar, with valine, which is neutral and non-polar, at codon 5740 of the SYNE2 protein (p.Leu5740Val). This variant is not present in population databases (gnomAD no frequency). This variant has not been reported in the literature in individuals affected with SYNE2-related conditions. An algorithm developed to predict the effect of missense changes on protein structure and function (PolyPhen-2) suggests that this variant is likely to be disruptive. In summary, the available evidence is currently insufficient to determine the role of this variant in disease. Therefore, it has been classified as a Variant of Uncertain Significance.

NM_182914.3(SYNE2):c.17218C>G (p.Leu5740Val)

Gene: SYNE2 (spectrin repeat containing nuclear envelope protein 2; plus strand). Cytogenetic location: 14q23.2.
Variant type: single nucleotide variant.
Coding change: c.17218C>G on transcript NM_182914.3 (MANE Select); coding-DNA position 17218, C replaced by G.
Protein change: p.Leu5740Val; replaces leucine 5740 with valine.
Molecular consequence: missense variant.
Genome position (GRCh38, 1-based): chr14:64,170,445, C>G. VCF-style: chr14-64170445-C-G. GRCh37 (hg19) VCF-style: chr14-64637163-C-G.
Other names: c.17218C>G, p.Leu5740Val (NM_015180.6); short protein forms L5740V.
Identifiers: ClinVar variation 4810955 (VCV004810955.1).